The following is an entry in ClinVar:

NM_020433.5(JPH2):c.1342A>G (p.Ser448Gly)

Gene: JPH2 (junctophilin 2; minus strand). Cytogenetic location: 20q13.12.
Variant type: single nucleotide variant.
Coding change: c.1342A>G on transcript NM_020433.5 (MANE Select); coding-DNA position 1342, A replaced by G.
Protein change: p.Ser448Gly; replaces serine 448 with glycine.
Molecular consequence: missense variant.
Genome position (GRCh38, 1-based): chr20:44,116,333, T>C on the plus strand (A>G on the coding strand, the complement: JPH2 is on the minus strand). VCF-style: chr20-44116333-T-C. GRCh37 (hg19) VCF-style: chr20-42744973-T-C.
Other names: short protein forms S448G.
Identifiers: ClinVar variation 2990016 (VCV002990016.3), dbSNP rs1239253550, ClinGen allele CA409100823.

ClinVar aggregate classification (germline): Uncertain significance (1 of 4 stars; one submission).

Conditions:
Hypertrophic cardiomyopathy. Also called: HYPERTROPHIC MYOCARDIOPATHY. Identifiers: Orphanet 217569, MedGen C0007194, MeSH D002312, MONDO:0005045, HP:0001639.

Submission:

Labcorp Genetics (formerly Invitae), Labcorp
Classification: Uncertain significance for Hypertrophic cardiomyopathy. Last evaluated: 2025-07-10. Review status: criteria provided, single submitter. Criteria: Invitae Variant Classification Sherloc (09022015). Collection method: clinical testing. Allele origin: germline.
Comment: This sequence change replaces serine, which is neutral and polar, with glycine, which is neutral and non-polar, at codon 448 of the JPH2 protein (p.Ser448Gly). This variant is present in population databases (no rsID available, gnomAD 0.01%). This variant has not been reported in the literature in individuals affected with JPH2-related conditions. ClinVar contains an entry for this variant (Variation ID: 2990016). An algorithm developed to predict the effect of missense changes on protein structure and function (PolyPhen-2) suggests that this variant is likely to be tolerated. In summary, the available evidence is currently insufficient to determine the role of this variant in disease. Therefore, it has been classified as a Variant of Uncertain Significance.